The following is an entry in ClinVar:

NM_001287.6(CLCN7):c.1437C>T (p.His479=)

Gene: CLCN7 (Cl-/H+ antiporter 7; minus strand). Cytogenetic location: 16p13.3.
Variant type: single nucleotide variant.
Coding change: c.1437C>T on transcript NM_001287.6 (MANE Select); coding-DNA position 1437, C replaced by T.
Protein change: p.His479=; no amino-acid change (histidine 479 retained).
Molecular consequence: synonymous variant.
Genome position (GRCh38, 1-based): chr16:1,451,633, G>A on the plus strand (C>T on the coding strand, the complement: CLCN7 is on the minus strand). VCF-style: chr16-1451633-G-A. GRCh37 (hg19) VCF-style: chr16-1501634-G-A.
Other names: c.1365C>T, p.His455= (NM_001114331.3).
Identifiers: ClinVar variation 731766 (VCV000731766.11), dbSNP rs200880732, ClinGen allele CA7810263.
Genomic context (GRCh38, chr16:1,451,633, plus strand): 5'-CACCCAGGCCCTGATCCCAGGGCCTGCCCAGCGGCACTGCCCACACACACCTGGCGGGTC[G>A]TGGAAGAGGCTCACCACGCTCTTCTCCGGGGTGTTGAAGAAGGCCGCAGCCATGGAGTTG-3'
Protein context (NP_001278.1, residues 469-489): TPEKSVVSLF[His479=]DPPGSYNPLT

ClinVar aggregate classification (germline): Likely benign. Review status: criteria provided, multiple submitters, no conflicts (2 of 4 stars). 3 submissions from 3 submitters: Likely benign (3). Last evaluated 2026-04-01.

Allele frequency attached by ClinVar (database versions not stated): TOPMed 0.00018; gnomAD 0.00019; gnomAD exomes 0.00022 and 0.00035; ESP Exome Variant Server 0.00039; ExAC 0.00044.
gnomAD v4.1: 346 of 1,611,734 alleles (0.021%); highest among the groups gnomAD compares: South Asian, 0.066%; no homozygotes.

Submissions (3):

CeGaT Center for Human Genetics Tuebingen
Classification: Likely benign. Last evaluated: 2026-04-01. Review status: criteria provided, single submitter. Criteria: CeGaT Center For Human Genetics Tuebingen Variant Classification Criteria Version 2. Collection method: clinical testing. Allele origin: germline. Affected: yes. Observed: 1 variant allele.
Comment: CLCN7: BP4, BP7

Labcorp Genetics (formerly Invitae), Labcorp
Classification: Likely benign. Last evaluated: 2026-01-12. Review status: criteria provided, single submitter. Criteria: Invitae Variant Classification Sherloc (09022015). Collection method: clinical testing. Allele origin: germline.

Blueprint Genetics
Classification: Likely benign. Last evaluated: 2024-11-11. Review status: criteria provided, single submitter. Criteria: ACMG Guidelines, 2015. Collection method: clinical testing. Allele origin: germline.